The following is an entry in ClinVar:

ClinVar aggregate classification (germline): Uncertain significance (1 of 4 stars; one submission).

Allele frequency attached by ClinVar (database versions not stated): gnomAD exomes below 0.00001; gnomAD 0.00001.
gnomAD v4.1: 2 of 1,550,250 alleles (0.00013%); highest among the groups gnomAD compares: African/African-American, 0.0014%; no homozygotes.

Submission:

Labcorp Genetics (formerly Invitae), Labcorp
Classification: Uncertain significance. Last evaluated: 2022-06-30. Review status: criteria provided, single submitter. Criteria: Invitae Variant Classification Sherloc (09022015). Collection method: clinical testing. Allele origin: germline.
Comment: This sequence change replaces asparagine, which is neutral and polar, with serine, which is neutral and polar, at codon 2032 of the UNC80 protein (p.Asn2032Ser). This variant is not present in population databases (gnomAD no frequency). This variant has not been reported in the literature in individuals affected with UNC80-related conditions. ClinVar contains an entry for this variant (Variation ID: 1489255). Algorithms developed to predict the effect of missense changes on protein structure and function are either unavailable or do not agree on the potential impact of this missense change (SIFT: "Not Available"; PolyPhen-2: "Probably Damaging"; Align-GVGD: "Not Available"). In summary, the available evidence is currently insufficient to determine the role of this variant in disease. Therefore, it has been classified as a Variant of Uncertain Significance.

NM_001371986.1(UNC80):c.6293A>G (p.Asn2098Ser)

Gene: UNC80 (unc-80 homolog, NALCN channel complex subunit; plus strand). Cytogenetic location: 2q34.
Variant type: single nucleotide variant.
Coding change: c.6293A>G on transcript NM_001371986.1 (MANE Select); coding-DNA position 6293, A replaced by G.
Protein change: p.Asn2098Ser; replaces asparagine 2098 with serine.
Molecular consequence: missense variant.
Genome position (GRCh38, 1-based): chr2:209,936,863, A>G. VCF-style: chr2-209936863-A-G. GRCh37 (hg19) VCF-style: chr2-210801587-A-G.
Other names: c.6095A>G, p.Asn2032Ser (NM_032504.2); c.6080A>G, p.Asn2027Ser (NM_182587.4); short protein forms N2098S, N2027S, N2032S.
Identifiers: ClinVar variation 1489255 (VCV001489255.3), dbSNP rs2091281715, ClinGen allele CA350770681.